The following is an entry in ClinVar:

NM_002730.4(PRKACA):c.1022A>G (p.Asn341Ser)

Gene: PRKACA (protein kinase cAMP-activated catalytic subunit alpha; minus strand). Cytogenetic location: 19p13.12.
Variant type: single nucleotide variant.
Coding change: c.1022A>G on transcript NM_002730.4 (MANE Select); coding-DNA position 1022, A replaced by G.
Protein change: p.Asn341Ser; replaces asparagine 341 with serine.
Molecular consequence: missense variant.
Genome position (GRCh38, 1-based): chr19:14,093,146, T>C on the plus strand (A>G on the coding strand, the complement: PRKACA is on the minus strand). VCF-style: chr19-14093146-T-C. GRCh37 (hg19) VCF-style: chr19-14203958-T-C.
Other names: c.1022A>G (NM_002730.3); c.1250A>G, p.Asn417Ser (NM_001304349.2); c.998A>G, p.Asn333Ser (NM_207518.3); short protein forms N333S, N341S, N417S.
Identifiers: ClinVar variation 2672233 (VCV002672233.2), dbSNP rs775739774, ClinGen allele CA9249132.

ClinVar aggregate classification (germline): Uncertain significance. Review status: criteria provided, multiple submitters, no conflicts (2 of 4 stars). 2 submissions from 2 submitters: Uncertain significance (2). Last evaluated 2025-08-24.

Conditions:
Cardioacrofacial dysplasia 1. Identifiers: MedGen C5436885, MONDO:0030876, OMIM 619142.

Allele frequency attached by ClinVar (database versions not stated): TOPMed below 0.00001; ExAC 0.00001; gnomAD exomes 0.00001.
gnomAD v4.1: 12 of 1,610,290 alleles (0.00075%); highest among the groups gnomAD compares: Middle Eastern, 0.017%; no homozygotes.

Submissions (2):

Ambry Genetics
Classification: Uncertain significance. Last evaluated: 2025-08-24. Review status: criteria provided, single submitter. Criteria: Ambry Variant Classification Scheme 2023. Collection method: clinical testing. Allele origin: germline.

Clinical Genomics Laboratory, Washington University in St. Louis
Classification: Uncertain significance for Cardioacrofacial dysplasia 1. Last evaluated: 2023-08-26. Review status: criteria provided, single submitter. Criteria: ACMG Guidelines, 2015. Collection method: clinical testing. Allele origin: germline.
Comment: The PRKACA c.1022A>G (p.Asn341Ser) variant was identified at a near heterozygous allelic fraction. The PRKACA c.1022A>G (p.Asn341Ser) variant, to our knowledge, has not been reported in the medical literature. This variant is absent from the general population (gnomAD v.2.1.1), indicating it is not a common variant. Computational predictors suggest that the variant does not impact PRKACA function. Due to limited information and based on ACMG/AMP guidelines for variant interpretation (Richards S et al., PMID: 25741868), the clinical significance of this variant is uncertain at this time.